The following is an entry in ClinVar:

ClinVar aggregate classification (germline): Uncertain significance. Review status: criteria provided, multiple submitters, no conflicts (2 of 4 stars). 3 submissions from 3 submitters: Uncertain significance (2). 1 of the submissions does not count toward it. Last evaluated 2026-03-04.

Conditions:
VPS13B-related disorder. Also called: VPS13B-related condition.
Cohen syndrome (COH1). Also called: Cutis verticis gyrata, retinitis pigmentosa, and sensorineural deafness; PEPPER SYNDROME. Identifiers: Orphanet 193, MedGen C0265223, MONDO:0008999, OMIM 216550.

Allele frequency attached by ClinVar (database versions not stated): TOPMed 0.00001.
gnomAD v4.1: 24 of 1,613,734 alleles (0.0015%); highest among the groups gnomAD compares: Non-Finnish European, 0.002%; no homozygotes.

Submissions (3):

PreventionGenetics, part of Exact Sciences
Classification: Uncertain significance for VPS13B-related condition. Last evaluated: 2026-03-04. Review status: criteria provided, single submitter. Criteria: ACMG Guidelines, 2015. Collection method: clinical testing. Allele origin: germline.
Comment: The VPS13B c.6530G>T variant is predicted to result in the amino acid substitution p.Arg2177Leu. To our knowledge, this variant has not been reported in the literature. This variant is reported in 0.00088% of alleles in individuals of European (Non-Finnish) descent in gnomAD. At this time, the clinical significance of this variant is uncertain due to the absence of conclusive functional and genetic evidence.

Labcorp Genetics (formerly Invitae), Labcorp
Classification: Uncertain significance for Cohen syndrome. Last evaluated: 2021-11-11. Review status: criteria provided, single submitter. Criteria: Invitae Variant Classification Sherloc (09022015). Collection method: clinical testing. Allele origin: germline.
Comment: This sequence change replaces arginine, which is basic and polar, with leucine, which is neutral and non-polar, at codon 2202 of the VPS13B protein (p.Arg2202Leu). This variant is present in population databases (no rsID available, gnomAD 0.0009%). This variant has not been reported in the literature in individuals affected with VPS13B-related conditions. ClinVar contains an entry for this variant (Variation ID: 950723). Algorithms developed to predict the effect of missense changes on protein structure and function are either unavailable or do not agree on the potential impact of this missense change (SIFT: "Not Available"; PolyPhen-2: "Benign"; Align-GVGD: "Not Available"). In summary, the available evidence is currently insufficient to determine the role of this variant in disease. Therefore, it has been classified as a Variant of Uncertain Significance.

Natera, Inc.
Classification: Uncertain significance for Cohen syndrome. Last evaluated: 2021-02-08. Review status: no assertion criteria provided. Collection method: clinical testing. Allele origin: germline. Not counted in ClinVar's aggregate classification.

NM_152564.5(VPS13B):c.6530G>T (p.Arg2177Leu)

Gene: VPS13B (vacuolar protein sorting 13 homolog B; plus strand). Cytogenetic location: 8q22.2.
Variant type: single nucleotide variant.
Coding change: c.6530G>T on transcript NM_152564.5 (MANE Select); coding-DNA position 6530, G replaced by T.
Protein change: p.Arg2177Leu; replaces arginine 2177 with leucine.
Molecular consequence: missense variant.
Genome position (GRCh38, 1-based): chr8:99,717,246, G>T. VCF-style: chr8-99717246-G-T. GRCh37 (hg19) VCF-style: chr8-100729474-G-T.
Other names: c.6530G>T (NM_152564.4); c.6605G>T, p.Arg2202Leu (NM_017890.5); short protein forms R2202L, R2177L.
Identifiers: ClinVar variation 950723 (VCV000950723.7), dbSNP rs147099791, ClinGen allele CA371867237.